The following is an entry in ClinVar:

ClinVar aggregate classification (germline): Uncertain significance. Review status: criteria provided, multiple submitters, no conflicts (2 of 4 stars). 3 submissions from 3 submitters: Uncertain significance (3). Last evaluated 2023-04-11.

Conditions:
Autosomal recessive limb-girdle muscular dystrophy type 2Y (MRRSDC). Also called: Muscular dystrophy, limb-girdle, type 2y; Muscular dystrophy, autosomal recessive, with rigid spine and distal joint contractures. Identifiers: Orphanet 424261, MedGen C4511482, MONDO:0014900, OMIM 617072.

Allele frequency attached by ClinVar (database versions not stated): TOPMed 0.00001; ExAC 0.00001; gnomAD exomes 0.00001; gnomAD 0.00001.
gnomAD v4.1: 19 of 1,611,996 alleles (0.0012%); highest among the groups gnomAD compares: Non-Finnish European, 0.0015%; no homozygotes.

Submissions (3):

Genome-Nilou Lab
Classification: Uncertain significance for Autosomal recessive limb-girdle muscular dystrophy type 2Y. Last evaluated: 2023-04-11. Review status: criteria provided, single submitter. Criteria: ACMG Guidelines, 2015. Collection method: clinical testing. Allele origin: germline. Affected: no.

Labcorp Genetics (formerly Invitae), Labcorp
Classification: Uncertain significance for Autosomal recessive limb-girdle muscular dystrophy type 2Y. Last evaluated: 2022-08-15. Review status: criteria provided, single submitter. Criteria: Invitae Variant Classification Sherloc (09022015). Collection method: clinical testing. Allele origin: germline.
Comment: This variant is present in population databases (rs770895707, gnomAD 0.002%). In summary, the available evidence is currently insufficient to determine the role of this variant in disease. Therefore, it has been classified as a Variant of Uncertain Significance. Algorithms developed to predict the effect of sequence changes on RNA splicing suggest that this variant may create or strengthen a splice site. Algorithms developed to predict the effect of missense changes on protein structure and function (SIFT, PolyPhen-2, Align-GVGD) all suggest that this variant is likely to be tolerated. ClinVar contains an entry for this variant (Variation ID: 851313). This variant has not been reported in the literature in individuals affected with TOR1AIP1-related conditions. This sequence change replaces asparagine, which is neutral and polar, with aspartic acid, which is acidic and polar, at codon 304 of the TOR1AIP1 protein (p.Asn304Asp).

Revvity Omics, Revvity
Classification: Uncertain significance. Last evaluated: 2019-10-18. Review status: criteria provided, single submitter. Criteria: ACMG Guidelines, 2015. Collection method: clinical testing. Allele origin: germline.

NM_015602.4(TOR1AIP1):c.907A>G (p.Asn303Asp)

Gene: TOR1AIP1 (torsin 1A interacting protein 1; plus strand). Cytogenetic location: 1q25.2.
Variant type: single nucleotide variant.
Coding change: c.907A>G on transcript NM_015602.4 (MANE Select); coding-DNA position 907, A replaced by G.
Protein change: p.Asn303Asp; replaces asparagine 303 with aspartic acid.
Molecular consequence: missense variant.
Genome position (GRCh38, 1-based): chr1:179,908,673, A>G. VCF-style: chr1-179908673-A-G. GRCh37 (hg19) VCF-style: chr1-179877808-A-G.
Other names: c.910A>G, p.Asn304Asp (NM_001267578.2); short protein forms N303D, N304D.
Identifiers: ClinVar variation 851313 (VCV000851313.9), dbSNP rs770895707, ClinGen allele CA1269023.
Genomic context (GRCh38, chr1:179,908,673, plus strand): 5'-TATCAAAAAACTCCCCAGGAATGGGCCCCACAAACTGCAAGAATAAGGACCAGGATGCAA[A>G]GTAAGTAGATAAATCTCTGTTATTGAAATAATCTTGTGTATTTGCTATGTTTTTCTTGAC-3'
Protein context (NP_056417.2, residues 293-313): QTARIRTRMQ[Asn303Asp]DSILKSELGN